The following is an entry in ClinVar:

NM_004186.5(SEMA3F):c.299G>A (p.Arg100His)

Gene: SEMA3F (semaphorin 3F; plus strand). Cytogenetic location: 3p21.31.
Variant type: single nucleotide variant.
Coding change: c.299G>A on transcript NM_004186.5 (MANE Select); coding-DNA position 299, G replaced by A.
Protein change: p.Arg100His; replaces arginine 100 with histidine.
Molecular consequence: missense variant.
Genome position (GRCh38, 1-based): chr3:50,174,077, G>A. VCF-style: chr3-50174077-G-A. GRCh37 (hg19) VCF-style: chr3-50211510-G-A.
Other names: c.95G>A, p.Arg32His (NM_001318798.2); c.299G>A, p.Arg100His (NM_001318800.2); short protein forms R100H, R32H.
Identifiers: ClinVar variation 3351679 (VCV003351679.2).
Genomic context (GRCh38, chr3:50,174,077, plus strand): 5'-CAGAAGGCTGCACCTTCTGACCCCCCTCTCTGCAGATACACTGGGCAGCCTCCCCACAGC[G>A]CATCGAGGAATGCGTGCTCTCAGGCAAGGATGTCAACGTGAGTTTGGTGGGATCCACAGG-3'
Protein context (NP_004177.3, residues 90-110): LIIHWAASPQ[Arg100His]IEECVLSGKD

ClinVar aggregate classification (germline): Uncertain significance (1 of 4 stars; one submission).

Conditions:
SEMA3F-related disorder. Also called: SEMA3F-related condition.

gnomAD v4.1: 11 of 1,614,112 alleles (0.00068%); highest among the groups gnomAD compares: Admixed American, 0.0083%; no homozygotes.

Submission:

PreventionGenetics, part of Exact Sciences
Classification: Uncertain significance for SEMA3F-related condition. Last evaluated: 2025-12-10. Review status: criteria provided, single submitter. Criteria: ACMG Guidelines, 2015. Collection method: clinical testing. Allele origin: germline.
Comment: The SEMA3F c.299G>A variant is predicted to result in the amino acid substitution p.Arg100His. To our knowledge, this variant has not been reported in the literature. This variant is reported in 0.012% of alleles in individuals of Latino descent in gnomAD. At this time, the clinical significance of this variant is uncertain due to the absence of conclusive functional and genetic evidence.